The following is an entry in ClinVar:

NM_015072.5(TTLL5):c.1213C>T (p.Arg405Trp)

Gene: TTLL5 (tubulin tyrosine ligase like 5; plus strand). Cytogenetic location: 14q24.3.
Variant type: single nucleotide variant.
Coding change: c.1213C>T on transcript NM_015072.5 (MANE Select); coding-DNA position 1213, C replaced by T.
Protein change: p.Arg405Trp; replaces arginine 405 with tryptophan.
Molecular consequence: missense variant.
Genome position (GRCh38, 1-based): chr14:75,735,221, C>T. VCF-style: chr14-75735221-C-T. GRCh37 (hg19) VCF-style: chr14-76201564-C-T.
Other names: c.1213C>T (NM_015072.4); short protein forms R405W.
Identifiers: ClinVar variation 1972461 (VCV001972461.3), dbSNP rs201356863, ClinGen allele CA7279288.

ClinVar aggregate classification (germline): Uncertain significance. Review status: criteria provided, multiple submitters, no conflicts (2 of 4 stars). 2 submissions from 2 submitters: Uncertain significance (2). Last evaluated 2024-02-05.

Conditions:
Inborn genetic diseases. Identifiers: MedGen C0950123, MeSH D030342.

Allele frequency attached by ClinVar (database versions not stated): TOPMed 0.00001; ExAC 0.00002; gnomAD 0.00006; 1000 Genomes Project 30x 0.00016; 1000 Genomes Project 0.00020.

Submissions (2):

Ambry Genetics
Classification: Uncertain significance for Inborn genetic diseases. Last evaluated: 2024-02-05. Review status: criteria provided, single submitter. Criteria: Ambry Variant Classification Scheme 2023. Collection method: clinical testing. Allele origin: germline.

Labcorp Genetics (formerly Invitae), Labcorp
Classification: Uncertain significance. Last evaluated: 2022-04-11. Review status: criteria provided, single submitter. Criteria: Invitae Variant Classification Sherloc (09022015). Collection method: clinical testing. Allele origin: germline.
Comment: This sequence change replaces arginine, which is basic and polar, with tryptophan, which is neutral and slightly polar, at codon 405 of the TTLL5 protein (p.Arg405Trp). This variant is present in population databases (rs201356863, gnomAD 0.02%). This variant has not been reported in the literature in individuals affected with TTLL5-related conditions. Algorithms developed to predict the effect of missense changes on protein structure and function (SIFT, PolyPhen-2, Align-GVGD) all suggest that this variant is likely to be disruptive. In summary, the available evidence is currently insufficient to determine the role of this variant in disease. Therefore, it has been classified as a Variant of Uncertain Significance.